The following is an entry in ClinVar:

NM_000540.3(RYR1):c.5257A>G (p.Thr1753Ala)

Gene: RYR1 (ryanodine receptor 1; plus strand). Cytogenetic location: 19q13.2.
Variant type: single nucleotide variant.
Coding change: c.5257A>G on transcript NM_000540.3 (MANE Select); coding-DNA position 5257, A replaced by G.
Protein change: p.Thr1753Ala; replaces threonine 1753 with alanine.
Molecular consequence: missense variant.
Genome position (GRCh38, 1-based): chr19:38,485,912, A>G. VCF-style: chr19-38485912-A-G. GRCh37 (hg19) VCF-style: chr19-38976552-A-G.
Other names: c.5257A>G, p.Thr1753Ala (NM_001042723.2); short protein forms T1753A.
Identifiers: ClinVar variation 2888726 (VCV002888726.1), dbSNP rs1442774410, ClinGen allele CA081744.

ClinVar aggregate classification (germline): Uncertain significance (1 of 4 stars; one submission).

Conditions:
RYR1-related disorder. Also called: RYR1-related condition; RYR1-related disorders. Identifiers: MedGen CN239331.

Allele frequency attached by ClinVar (database versions not stated): gnomAD 0.00001; TOPMed 0.00002.
gnomAD v4.1: 1 of 1,613,636 alleles (0.000062%); highest among the groups gnomAD compares: Non-Finnish European, 0.000085%; no homozygotes.

Submission:

Labcorp Genetics (formerly Invitae), Labcorp
Classification: Uncertain significance for RYR1-related disorder. Last evaluated: 2023-11-08. Review status: criteria provided, single submitter. Criteria: Invitae Variant Classification Sherloc (09022015). Collection method: clinical testing. Allele origin: germline.
Comment: This sequence change replaces threonine, which is neutral and polar, with alanine, which is neutral and non-polar, at codon 1753 of the RYR1 protein (p.Thr1753Ala). This variant is not present in population databases (gnomAD no frequency). This variant has not been reported in the literature in individuals affected with RYR1-related conditions. Advanced modeling of protein sequence and biophysical properties (such as structural, functional, and spatial information, amino acid conservation, physicochemical variation, residue mobility, and thermodynamic stability) performed at Invitae indicates that this missense variant is not expected to disrupt RYR1 protein function with a negative predictive value of 95%. In summary, the available evidence is currently insufficient to determine the role of this variant in disease. Therefore, it has been classified as a Variant of Uncertain Significance.